The following is an entry in ClinVar:

NM_001005373.4(LRSAM1):c.457C>T (p.Arg153Cys)

Gene: LRSAM1 (leucine rich repeat and sterile alpha motif containing 1; plus strand). Cytogenetic location: 9q33.3.
Variant type: single nucleotide variant.
Coding change: c.457C>T on transcript NM_001005373.4 (MANE Select); coding-DNA position 457, C replaced by T.
Protein change: p.Arg153Cys; replaces arginine 153 with cysteine.
Molecular consequence: missense variant. On other transcripts: 5 prime UTR variant (1), non-coding transcript variant (2).
Genome position (GRCh38, 1-based): chr9:127,462,302, C>T. VCF-style: chr9-127462302-C-T. GRCh37 (hg19) VCF-style: chr9-130224581-C-T.
Other names: c.457C>T, p.Arg153Cys (NM_001005374.4, NM_001190723.3, NM_001384142.1 and 2 more transcripts); c.-328C>T (NM_001384144.1); short protein forms R153C.
Identifiers: ClinVar variation 1045221 (VCV001045221.6), dbSNP rs772739566, ClinGen allele CA5246556.

ClinVar aggregate classification (germline): Uncertain significance (1 of 4 stars; one submission).

Conditions:
Charcot-Marie-Tooth disease axonal type 2P. Also called: CHARCOT-MARIE-TOOTH NEUROPATHY, TYPE 2P; Charcot-Marie-Tooth Neuropathy Type 2G; CHARCOT-MARIE-TOOTH DISEASE, AXONAL, TYPE 2G; CMT 2G. Identifiers: Orphanet 300319, Orphanet 99941, MedGen C3280797, MONDO:0013753, OMIM 614436.

Allele frequency attached by ClinVar (database versions not stated): gnomAD 0.00002 and 0.00003; TOPMed 0.00002; gnomAD exomes 0.00003 and 0.00004; ExAC 0.00005.
gnomAD v4.1: 43 of 1,613,948 alleles (0.0027%); highest among the groups gnomAD compares: South Asian, 0.027%; no homozygotes.

Submission:

Labcorp Genetics (formerly Invitae), Labcorp
Classification: Uncertain significance for Charcot-Marie-Tooth disease axonal type 2P. Last evaluated: 2021-09-01. Review status: criteria provided, single submitter. Criteria: Invitae Variant Classification Sherloc (09022015). Collection method: clinical testing. Allele origin: germline.
Comment: This sequence change replaces arginine with cysteine at codon 153 of the LRSAM1 protein (p.Arg153Cys). The arginine residue is highly conserved and there is a large physicochemical difference between arginine and cysteine. This variant is present in population databases (rs772739566, ExAC 0.02%). This variant has not been reported in the literature in individuals affected with LRSAM1-related conditions. Algorithms developed to predict the effect of missense changes on protein structure and function (SIFT, PolyPhen-2, Align-GVGD) all suggest that this variant is likely to be disruptive. In summary, the available evidence is currently insufficient to determine the role of this variant in disease. Therefore, it has been classified as a Variant of Uncertain Significance.